The following is an entry in ClinVar:

NM_006012.4(CLPP):c.161G>C (p.Arg54Pro)

Gene: CLPP (caseinolytic mitochondrial matrix peptidase proteolytic subunit; plus strand). Cytogenetic location: 19p13.3.
Variant type: single nucleotide variant.
Coding change: c.161G>C on transcript NM_006012.4 (MANE Select); coding-DNA position 161, G replaced by C.
Protein change: p.Arg54Pro; replaces arginine 54 with proline.
Molecular consequence: missense variant.
Genome position (GRCh38, 1-based): chr19:6,361,735, G>C. VCF-style: chr19-6361735-G-C. GRCh37 (hg19) VCF-style: chr19-6361746-G-C.
Other names: short protein forms R54P.
Identifiers: ClinVar variation 4989830 (VCV004989830.1).

ClinVar aggregate classification (germline): Uncertain significance (1 of 4 stars; one submission).

Conditions:
CLPP-related disorder. Also called: CLPP-related condition.

Submission:

PreventionGenetics, part of Exact Sciences
Classification: Uncertain significance for CLPP-related condition. Last evaluated: 2025-09-19. Review status: criteria provided, single submitter. Criteria: ACMG Guidelines, 2015. Collection method: clinical testing. Allele origin: germline.
Comment: The CLPP c.161G>C variant is predicted to result in the amino acid substitution p.Arg54Pro. To our knowledge, this variant has not been reported in the literature. This variant is reported in 0.0% of alleles in individuals of African descent in gnomAD. At this time, the clinical significance of this variant is uncertain due to the absence of conclusive functional and genetic evidence.